The following is an entry in ClinVar:

ClinVar aggregate classification (germline): Likely pathogenic (1 of 4 stars; one submission).

Conditions:
Ataxia-telangiectasia syndrome (AT). Also called: Ataxia telangiectasia (A-T); Ataxia-telangiectasia, complementation group D; ATAXIA-TELANGIECTASIA, COMPLEMENTATION GROUP A; ATAXIA-TELANGIECTASIA, FRESNO VARIANT; Cerebello-oculocutaneous telangiectasia; Immunodeficiency with ataxia telangiectasia. Identifiers: Orphanet 100, MedGen C0004135, MONDO:0008840, OMIM 208900.

Submission:

3billion
Classification: Likely pathogenic for Ataxia-telangiectasia syndrome. Last evaluated: 2022-09-01. Review status: criteria provided, single submitter. Criteria: ACMG Guidelines, 2015. Collection method: clinical testing. Allele origin: germline. Affected: yes. Observed: 1 homozygote.
Comment: The variant is not observed in the gnomAD v2.1.1 dataset. Frameshift variant is predicted to result in a loss or disruption of normal protein function through nonsense-mediated decay (NMD) or protein truncation. Multiple pathogenic variants are reported downstream of the variant. Therefore, this variant is classified as Likely pathogenic according to the recommendation of ACMG/AMP guideline.

NM_000051.4(ATM):c.2528_2529del (p.Asn843fs)

Gene: ATM (ATM serine/threonine kinase; plus strand). Cytogenetic location: 11q22.3.
Variant type: Deletion.
Coding change: c.2528_2529del on transcript NM_000051.4 (MANE Select); coding-DNA positions 2528 to 2529, 2 bases deleted (AT; older notation c.2528_2529delAT).
Protein change: p.Asn843fs; shifts the reading frame from asparagine 843.
Molecular consequence: frameshift variant.
Genome position (GRCh38, 1-based): chr11:108,267,232-108,267,233, AT deleted. VCF-style (leftmost placement, unchanged base first): chr11-108267231-AAT-A. GRCh37 (hg19) VCF-style: chr11-108137958-AAT-A.
Other names: c.2528_2529del, p.Asn843fs (NM_001351834.2); short protein forms N843fs.
Identifiers: ClinVar variation 1705383 (VCV001705383.1), dbSNP rs2497592905, ClinGen allele CA2580082983.